The following is an entry in ClinVar:

ClinVar aggregate classification (germline): Pathogenic/Likely pathogenic. Review status: criteria provided, multiple submitters, no conflicts (2 of 4 stars). 2 submissions from 2 submitters: Pathogenic (1); Likely pathogenic (1). Last evaluated 2025-12-04.

Conditions:
Holt-Oram syndrome (HOS). Also called: Ventriculo-radial syndrome; Cardiac-limb syndrome; Heart-hand syndrome, type 1; TBX5-Related Holt-Oram Syndrome. Identifiers: Orphanet 392, MedGen C0265264, MONDO:0007732, OMIM 142900.
Cardiovascular phenotype. Identifiers: MedGen CN230736.

Submissions (2):

Ambry Genetics
Classification: Pathogenic for Cardiovascular phenotype. Last evaluated: 2025-12-04. Review status: criteria provided, single submitter. Criteria: Ambry Variant Classification Scheme 2023. Collection method: clinical testing. Allele origin: germline.
Comment: The p.Y87* variant (also known as c.261C>G), located in coding exon 3 of the TBX5 gene, results from a C to G substitution at nucleotide position 261. This changes the amino acid from a tyrosine to a stop codon within coding exon 3. This alteration is expected to result in loss of function by premature protein truncation or nonsense-mediated mRNA decay. This variant is considered to be rare based on population cohorts in the Genome Aggregation Database (gnomAD). As such, this alteration is interpreted as a disease-causing mutation.

3billion
Classification: Likely pathogenic for Holt-Oram syndrome. Last evaluated: 2023-02-23. Review status: criteria provided, single submitter. Criteria: ACMG Guidelines, 2015. Collection method: clinical testing. Allele origin: unknown. Affected: yes.
Comment: The variant is not observed in the gnomAD v2.1.1 dataset. This variant was predicted to result in a loss or disruption of normal protein function through nonsense-mediated decay (NMD) or protein truncation. Multiple pathogenic variants are reported downstream of the variant. Therefore, this variant is classified as Likely pathogenic according to the recommendation of ACMG/AMP guideline.

NM_181486.4(TBX5):c.261C>G (p.Tyr87Ter)

Gene: TBX5 (T-box transcription factor 5; minus strand). Cytogenetic location: 12q24.21.
Variant type: single nucleotide variant.
Coding change: c.261C>G on transcript NM_181486.4 (MANE Select); coding-DNA position 261, C replaced by G.
Protein change: p.Tyr87Ter; replaces tyrosine 87 with a stop codon.
Molecular consequence: nonsense.
Genome position (GRCh38, 1-based): chr12:114,399,614, G>C on the plus strand (C>G on the coding strand, the complement: TBX5 is on the minus strand). VCF-style: chr12-114399614-G-C. GRCh37 (hg19) VCF-style: chr12-114837419-G-C.
Other names: c.261C>G, p.Tyr87Ter (NM_000192.3); c.111C>G, p.Tyr37Ter (NM_080717.4); short protein forms Y37*, Y87*.
Identifiers: ClinVar variation 2444344 (VCV002444344.2), dbSNP rs767197919, ClinGen allele CA386862869.